The following is an entry in ClinVar:

NM_001261826.3(AP3D1):c.3441G>C (p.Leu1147=)

Gene: AP3D1 (adaptor related protein complex 3 subunit delta 1; minus strand). Cytogenetic location: 19p13.3.
Variant type: single nucleotide variant.
Coding change: c.3441G>C on transcript NM_001261826.3 (MANE Select); coding-DNA position 3441, G replaced by C.
Protein change: p.Leu1147=; no amino-acid change (leucine 1147 retained).
Molecular consequence: synonymous variant.
Genome position (GRCh38, 1-based): chr19:2,109,117, C>G on the plus strand (G>C on the coding strand, the complement: AP3D1 is on the minus strand). VCF-style: chr19-2109117-C-G. GRCh37 (hg19) VCF-style: chr19-2109116-C-G.
Other names: c.3405G>C, p.Leu1135= (NM_001374799.1); c.3255G>C, p.Leu1085= (NM_003938.8).
Identifiers: ClinVar variation 2672732 (VCV002672732.24), dbSNP rs1286534031, ClinGen allele CA504772925.

ClinVar aggregate classification (germline): Likely benign. Review status: criteria provided, multiple submitters, no conflicts (2 of 4 stars). 2 submissions from 2 submitters: Likely benign (2). Last evaluated 2025-12-29.

gnomAD v4.1: 4 of 1,609,696 alleles (0.00025%); highest among the groups gnomAD compares: Non-Finnish European, 0.00034%; no homozygotes.

Submissions (2):

Labcorp Genetics (formerly Invitae), Labcorp
Classification: Likely benign. Last evaluated: 2025-12-29. Review status: criteria provided, single submitter. Criteria: Invitae Variant Classification Sherloc (09022015). Collection method: clinical testing. Allele origin: germline.

CeGaT Center for Human Genetics Tuebingen
Classification: Likely benign. Last evaluated: 2023-11-01. Review status: criteria provided, single submitter. Criteria: CeGaT Center For Human Genetics Tuebingen Variant Classification Criteria Version 2. Collection method: clinical testing. Allele origin: germline. Affected: yes. Observed: 1 variant allele.
Comment: AP3D1: PM2:Supporting, BP4, BP7